The following is an entry in ClinVar:

NM_006506.5(RASA2):c.31_54del (p.Ala11_Ala18del)

Genes: RASA2 (RAS p21 protein activator 2; plus strand), LOC129937686 (ATAC-STARR-seq lymphoblastoid silent region 14777; plus strand). Cytogenetic location: 3q23.
Variant type: Deletion.
Coding change: c.31_54del on transcript NM_006506.5 (MANE Select); coding-DNA positions 31 to 54, 24 bases deleted (GCTTCTTCCGAGGCGCCAGCGGCG).
Protein change: p.Ala11_Ala18del.
Genome position (GRCh38, 1-based): chr3:141,487,114-141,487,137, GCTTCTTCCGAGGCGCCAGCGGCG deleted; deleting any 24 consecutive bases within chr3:141,487,108-141,487,137 gives the same sequence; the c. name uses the placement nearest the transcript's 3' end. VCF-style (leftmost placement, unchanged base first): chr3-141487107-TGCGGCGGCTTCTTCCGAGGCGCCA-T. GRCh37 (hg19) VCF-style: chr3-141205949-TGCGGCGGCTTCTTCCGAGGCGCCA-T.
Other names: c.31_54del, p.Ala11_Ala18del (NM_001303245.3, NM_001303246.3).
Identifiers: ClinVar variation 3715226 (VCV003715226.2).

ClinVar aggregate classification (germline): Uncertain significance (1 of 4 stars; one submission).

Submission:

Labcorp Genetics (formerly Invitae), Labcorp
Classification: Uncertain significance. Last evaluated: 2025-04-17. Review status: criteria provided, single submitter. Criteria: Invitae Variant Classification Sherloc (09022015). Collection method: clinical testing. Allele origin: germline.
Comment: This variant, c.31_54del, results in the deletion of 8 amino acid(s) of the RASA2 protein (p.Ala11_Ala18del), but otherwise preserves the integrity of the reading frame. This variant is not present in population databases (gnomAD no frequency). This variant has not been reported in the literature in individuals affected with RASA2-related conditions. ClinVar contains an entry for this variant (Variation ID: 3715226). Experimental studies and prediction algorithms are not available or were not evaluated, and the functional significance of this variant is currently unknown. In summary, the available evidence is currently insufficient to determine the role of this variant in disease. Therefore, it has been classified as a Variant of Uncertain Significance.